The following is an entry in ClinVar:

NM_002519.3(NPAT):c.142C>T (p.Pro48Ser)

Gene: NPAT (nuclear protein, coactivator of histone transcription; minus strand). Cytogenetic location: 11q22.3.
Variant type: single nucleotide variant.
Coding change: c.142C>T on transcript NM_002519.3 (MANE Select); coding-DNA position 142, C replaced by T.
Protein change: p.Pro48Ser; replaces proline 48 with serine.
Molecular consequence: missense variant.
Genome position (GRCh38, 1-based): chr11:108,197,316, G>A on the plus strand (C>T on the coding strand, the complement: NPAT is on the minus strand). VCF-style: chr11-108197316-G-A. GRCh37 (hg19) VCF-style: chr11-108068043-G-A.
Other names: c.142C>T, p.Pro48Ser (NM_001321307.1); short protein forms P48S.
Identifiers: ClinVar variation 3222470 (VCV003222470.1), dbSNP rs2496759916, ClinGen allele CA382527885.
Genomic context (GRCh38, chr11:108,197,316, plus strand): 5'-TCTCTTGTGTTGATGAAATATTTCCCTTAAGGAACAAATAACTCACCAGTAAGCAGGCTG[G>A]AATAAACCCTTCATCTGTACAATGTTCTGCATATTCTTTTAAATCTGAACTTTCCAAAAT-3'
Protein context (NP_002510.2, residues 38-58): AEHCTDEGFI[Pro48Ser]ACLLSLFGKN

ClinVar aggregate classification (germline): Uncertain significance (1 of 4 stars; one submission).

Allele frequency attached by ClinVar (database versions not stated): gnomAD exomes below 0.00001.
gnomAD v4.1: 1 of 1,598,868 alleles (0.000063%); highest among the groups gnomAD compares: Non-Finnish European, 0.000086%; no homozygotes.

Submission:

Ambry Genetics
Classification: Uncertain significance. Last evaluated: 2024-03-01. Review status: criteria provided, single submitter. Criteria: Ambry Variant Classification Scheme 2023. Collection method: clinical testing. Allele origin: germline.
Comment: The p.P48S variant (also known as c.142C>T), located in coding exon 2 of the NPAT gene, results from a C to T substitution at nucleotide position 142. The proline at codon 48 is replaced by serine, an amino acid with similar properties. This amino acid position is conserved. In addition, the in silico prediction for this alteration is inconclusive. Based on the available evidence, the clinical significance of this alteration remains unclear.